The following is an entry in ClinVar:

ClinVar aggregate classification (germline): Uncertain significance (1 of 4 stars; one submission).

Conditions:
Fanconi anemia (FA). Also called: Fanconi's anemia. Identifiers: Orphanet 84, MedGen C0015625, MeSH D005199, MONDO:0019391.

Allele frequency attached by ClinVar (database versions not stated): gnomAD 0.00005.
gnomAD v4.1: 1 of 1,206,117 alleles (0.000083%); highest among the groups gnomAD compares: Non-Finnish European, 0.00011%; no homozygotes.

Submission:

Labcorp Genetics (formerly Invitae), Labcorp
Classification: Uncertain significance for Fanconi anemia. Last evaluated: 2023-11-01. Review status: criteria provided, single submitter. Criteria: Invitae Variant Classification Sherloc (09022015). Collection method: clinical testing. Allele origin: germline.
Comment: This sequence change replaces isoleucine, which is neutral and non-polar, with threonine, which is neutral and polar, at codon 756 of the FANCB protein (p.Ile756Thr). This variant is present in population databases (no rsID available, gnomAD 0.009%). This variant has not been reported in the literature in individuals affected with FANCB-related conditions. ClinVar contains an entry for this variant (Variation ID: 657054). Advanced modeling of protein sequence and biophysical properties (such as structural, functional, and spatial information, amino acid conservation, physicochemical variation, residue mobility, and thermodynamic stability) performed at Invitae indicates that this missense variant is not expected to disrupt FANCB protein function with a negative predictive value of 80%. In summary, the available evidence is currently insufficient to determine the role of this variant in disease. Therefore, it has been classified as a Variant of Uncertain Significance.

NM_001018113.3(FANCB):c.2267T>C (p.Ile756Thr)

Gene: FANCB (FA complementation group B; minus strand). Cytogenetic location: Xp22.2.
Variant type: single nucleotide variant.
Coding change: c.2267T>C on transcript NM_001018113.3 (MANE Select); coding-DNA position 2267, T replaced by C.
Protein change: p.Ile756Thr; replaces isoleucine 756 with threonine.
Molecular consequence: missense variant.
Genome position (GRCh38, 1-based): chrX:14,843,880, A>G on the plus strand (T>C on the coding strand, the complement: FANCB is on the minus strand). VCF-style: chrX-14843880-A-G. GRCh37 (hg19) VCF-style: chrX-14862002-A-G.
Other names: c.2267T>C, p.Ile756Thr (NM_001324162.2, NM_152633.4); short protein forms I756T.
Identifiers: ClinVar variation 657054 (VCV000657054.8), dbSNP rs756392097, ClinGen allele CA412437792.